The following is an entry in ClinVar:

NM_000095.3(COMP):c.1196A>T (p.Asp399Val)

Gene: COMP (cartilage oligomeric matrix protein; minus strand). Cytogenetic location: 19p13.11.
Variant type: single nucleotide variant.
Coding change: c.1196A>T on transcript NM_000095.3 (MANE Select); coding-DNA position 1196, A replaced by T.
Protein change: p.Asp399Val; replaces aspartic acid 399 with valine.
Molecular consequence: missense variant.
Genome position (GRCh38, 1-based): chr19:18,786,590, T>A on the plus strand (A>T on the coding strand, the complement: COMP is on the minus strand). VCF-style: chr19-18786590-T-A. GRCh37 (hg19) VCF-style: chr19-18897400-T-A.
Other names: c.1196A>T (NM_000095.2); short protein forms D399V.
Identifiers: ClinVar variation 1522000 (VCV001522000.9), dbSNP rs2145901343, ClinGen allele CA404886663.

ClinVar aggregate classification (germline): Conflicting classifications of pathogenicity. Review status: criteria provided, conflicting classifications (1 of 4 stars). 2 submissions from 2 submitters: Pathogenic (1); Uncertain significance (1). Last evaluated 2023-08-04.

Conditions:
Inborn genetic diseases. Identifiers: MedGen C0950123, MeSH D030342.

Submissions (2):

Labcorp Genetics (formerly Invitae), Labcorp
Classification: Pathogenic. Last evaluated: 2023-08-04. Review status: criteria provided, single submitter. Criteria: Invitae Variant Classification Sherloc (09022015). Collection method: clinical testing. Allele origin: germline.
Comment: This variant disrupts the p.Asp399 amino acid residue in COMP. Other variant(s) that disrupt this residue have been determined to be pathogenic (PMID: 15756302; Invitae). This suggests that this residue is clinically significant, and that variants that disrupt this residue are likely to be disease-causing. For these reasons, this variant has been classified as Pathogenic. Advanced modeling of protein sequence and biophysical properties (such as structural, functional, and spatial information, amino acid conservation, physicochemical variation, residue mobility, and thermodynamic stability) performed at Invitae indicates that this missense variant is expected to disrupt COMP protein function. ClinVar contains an entry for this variant (Variation ID: 1522000). This missense change has been observed in individual(s) with skeletal dysplasia (Invitae). In at least one individual the variant was observed to be de novo. This variant is not present in population databases (gnomAD no frequency). This sequence change replaces aspartic acid, which is acidic and polar, with valine, which is neutral and non-polar, at codon 399 of the COMP protein (p.Asp399Val).

Ambry Genetics
Classification: Uncertain significance for Inborn genetic diseases. Last evaluated: 2021-08-19. Review status: criteria provided, single submitter. Criteria: Ambry Variant Classification Scheme 2023. Collection method: clinical testing. Allele origin: germline.
Comment: The c.1196A>T (p.D399V) alteration is located in exon 11 (coding exon 11) of the COMP gene. This alteration results from an A to T substitution at nucleotide position 1196, causing the aspartic acid (D) at amino acid position 399 to be replaced by a valine (V). This variant was not reported in population-based cohorts in the Genome Aggregation Database (gnomAD). An alteration affecting the same amino acid, p.D399N, was reported in two family members with multiple epiphyseal dysplasia and absent in three unaffected individuals from the same family (Kennedy, 2005). This amino acid position is highly conserved in available vertebrate species. Based on internal structural analysis, this alteration disrupts a consensus calcium-binding motif in the TSP type-3 repeat 5 of COMP (Tan, 2009; Briggs, 2014). This alteration is predicted to be deleterious by in silico analysis. Based on insufficient or conflicting evidence, the clinical significance of this alteration remains unclear.

Literature cited by the submitters: PubMed 15756302 (cited by Labcorp Genetics (formerly Invitae), Labcorp and Ambry Genetics); PubMed 19276170 (cited by Ambry Genetics); PubMed 24595329 (cited by Ambry Genetics).